The following is an entry in ClinVar:

NM_004385.5(VCAN):c.8560G>A (p.Val2854Ile)

Genes: VCAN (versican; plus strand), VCAN-AS1 (VCAN antisense RNA 1; minus strand). Cytogenetic location: 5q14.3.
Variant type: single nucleotide variant.
Coding change: c.8560G>A on transcript NM_004385.5 (MANE Select); coding-DNA position 8560, G replaced by A.
Protein change: p.Val2854Ile; replaces valine 2854 with isoleucine.
Molecular consequence: missense variant. On other transcripts: intron variant (2).
Genome position (GRCh38, 1-based): chr5:83,541,563, G>A. VCF-style: chr5-83541563-G-A. GRCh37 (hg19) VCF-style: chr5-82837382-G-A.
Other names: c.5599G>A, p.Val1867Ile (NM_001164097.2); c.4004-3974G>A (NM_001164098.2); c.1043-3974G>A (NM_001126336.3); short protein forms V1867I, V2854I.
Identifiers: ClinVar variation 1500080 (VCV001500080.6), dbSNP rs747328962, ClinGen allele CA3333828.
Genomic context (GRCh38, chr5:83,541,563, plus strand): 5'-GGCAGTGAAGCCTCTGGACACACAGAGATCCCCCAGCCCAGTGCTCTGCCAGGAATAGAC[G>A]TCGGCTCATCTGTAATGTCCCCACAGGATTCTTTTAAGGAAATTCATGTAAATATTGAAG-3'
Protein context (NP_004376.2, residues 2844-2864): PQPSALPGID[Val2854Ile]GSSVMSPQDS

ClinVar aggregate classification (germline): Uncertain significance (1 of 4 stars; one submission).

Allele frequency attached by ClinVar (database versions not stated): gnomAD exomes below 0.00001 and 0.00001; ExAC 0.00001; gnomAD 0.00001; TOPMed 0.00001.
gnomAD v4.1: 15 of 1,613,726 alleles (0.00093%); highest among the groups gnomAD compares: African/African-American, 0.0027%; no homozygotes.

Submission:

Labcorp Genetics (formerly Invitae), Labcorp
Classification: Uncertain significance. Last evaluated: 2024-11-05. Review status: criteria provided, single submitter. Criteria: Invitae Variant Classification Sherloc (09022015). Collection method: clinical testing. Allele origin: germline.
Comment: This sequence change replaces valine, which is neutral and non-polar, with isoleucine, which is neutral and non-polar, at codon 2854 of the VCAN protein (p.Val2854Ile). This variant is present in population databases (rs747328962, gnomAD no frequency). This variant has not been reported in the literature in individuals affected with VCAN-related conditions. ClinVar contains an entry for this variant (Variation ID: 1500080). An algorithm developed to predict the effect of missense changes on protein structure and function (PolyPhen-2) suggests that this variant is likely to be tolerated. In summary, the available evidence is currently insufficient to determine the role of this variant in disease. Therefore, it has been classified as a Variant of Uncertain Significance.